The following is an entry in ClinVar:

ClinVar aggregate classification (germline): Pathogenic (1 of 4 stars; one submission).

Conditions:
Fraser syndrome 3. Identifiers: MedGen C4540040, MONDO:0054739, OMIM 617667.

Submission:

Myriad Genetics, Inc.
Classification: Pathogenic for Fraser syndrome 3. Last evaluated: 2024-07-17. Review status: criteria provided, single submitter. Criteria: Myriad Autosomal Dominant, Autosomal Recessive and X-Linked Classification Criteria (2023). Collection method: clinical testing. Allele origin: unknown.
Comment: NM_021150.3(GRIP1):c.2551C>T(Q851*) is expected to be pathogenic in the context of Fraser syndrome, GRIP1-related. This variant is predicted to lead to an abnormal or absent protein product due to the creation of a premature termination codon in GRIP1, a gene where loss-of-function variants are known to be pathogenic. Please note: this variant was assessed in the context of healthy population screening.

NM_001366722.1(GRIP1):c.2707C>T (p.Gln903Ter)

Gene: GRIP1 (glutamate receptor interacting protein 1; minus strand). Cytogenetic location: 12q14.3.
Variant type: single nucleotide variant.
Coding change: c.2707C>T on transcript NM_001366722.1 (MANE Select); coding-DNA position 2707, C replaced by T.
Protein change: p.Gln903Ter; replaces glutamine 903 with a stop codon.
Molecular consequence: nonsense.
Genome position (GRCh38, 1-based): chr12:66,377,200, G>A on the plus strand (C>T on the coding strand, the complement: GRIP1 is on the minus strand). VCF-style: chr12-66377200-G-A. GRCh37 (hg19) VCF-style: chr12-66770980-G-A.
Other names: c.2551C>T, p.Gln851Ter (NM_001178074.2, NM_001379351.1, NM_021150.4); c.2626C>T, p.Gln876Ter (NM_001366723.1, NM_001379348.1); c.2629C>T, p.Gln877Ter (NM_001366724.1, NM_001379347.1); c.2785C>T, p.Gln929Ter (NM_001379345.1); c.2707C>T, p.Gln903Ter (NM_001379346.1, NM_001439323.1); c.2554C>T, p.Gln852Ter (NM_001379349.1); c.2710C>T, p.Gln904Ter (NM_001439322.1); short protein forms Q851*, Q852*, Q876*, Q877*, Q903*, Q904*, Q929*.
Identifiers: ClinVar variation 5013324 (VCV005013324.1).